The following is an entry in ClinVar:

NM_000169.3(GLA):c.607G>A (p.Glu203Lys)

Genes: GLA (galactosidase alpha; minus strand), RPL36A-HNRNPH2 (RPL36A-HNRNPH2 readthrough; plus strand). Cytogenetic location: Xq22.1.
Variant type: single nucleotide variant.
Coding change: c.607G>A on transcript NM_000169.3 (MANE Select); coding-DNA position 607, G replaced by A.
Protein change: p.Glu203Lys; replaces glutamic acid 203 with lysine.
Molecular consequence: missense variant. On other transcripts: non-coding transcript variant (2), intron variant (2).
Genome position (GRCh38, 1-based): chrX:101,400,698, C>T on the plus strand (G>A on the coding strand, the complement: GLA is on the minus strand). VCF-style: chrX-101400698-C-T. GRCh37 (hg19) VCF-style: chrX-100655686-C-T.
Other names: c.730G>A, p.Glu244Lys (NM_001406747.1); c.607G>A, p.Glu203Lys (NM_001406748.1); c.300+5241C>T (NM_001199973.2); c.177+8876C>T (NM_001199974.2); short protein forms E203K, E244K.
Identifiers: ClinVar variation 222316 (VCV000222316.17), dbSNP rs869312345, ClinGen allele CA352532.

ClinVar aggregate classification (germline): Conflicting classifications of pathogenicity. Review status: criteria provided, conflicting classifications (1 of 4 stars). 4 submissions from 4 submitters: Pathogenic (1); Likely pathogenic (2); Uncertain significance (1). Last evaluated 2026-09-08.

Conditions:
Fabry disease. Also called: GLA DEFICIENCY; HEREDITARY DYSTOPIC LIPIDOSIS; Fabry's disease; Angiokeratoma corporis diffusum; Ceramide trihexosidosis; ALPHA-GALACTOSIDASE A DEFICIENCY. Identifiers: Orphanet 324, MedGen C0002986, MONDO:0010526, OMIM 301500, HP:0001071. Disease mechanism: loss of function, Fabry disease is due to inactivating mutations in the X-linked GLA gene resulting in deficiency of the enzyme Alpha Galactosidase-A..

Submissions (4):

Genomenon, Inc
Classification: Pathogenic for Fabry disease. Last evaluated: 2026-09-08. Review status: criteria provided, single submitter. Criteria: Genomenon Sequence Variant Interpretation Standards - Updated. Collection method: curation. Allele origin: germline. Affected: yes.
Comment: GLA p.Glu203Lys (c.607G>A) is a missense variant that changes the amino acid at codon 203 from Glutamic acid to Lysine. This variant has been observed in at least one proband with clinical features consistent with Fabry disease (PMID:30386727;32612493). At least one functional study has demonstrated a substantial alteration in protein function relative to the wild-type (PMID:32023956;27657681). This variant is located in a mutational hotspot and/or important functional domain. It is absent or not present at a significant frequency in gnomAD. In silico models predict that this variant is possibly or probably damaging. In conclusion, we classify GLA p.Glu203Lys (c.607G>A) as a pathogenic variant.

Genome-Nilou Lab
Classification: Likely pathogenic for Fabry disease. Last evaluated: 2021-07-15. Review status: criteria provided, single submitter. Criteria: ACMG Guidelines, 2015. Collection method: clinical testing. Allele origin: germline. Affected: no.

Labcorp Genetics (formerly Invitae), Labcorp
Classification: Uncertain significance for Fabry disease. Last evaluated: 2019-07-18. Review status: criteria provided, single submitter. Criteria: Invitae Variant Classification Sherloc (09022015). Collection method: clinical testing. Allele origin: germline.
Comment: Algorithms developed to predict the effect of missense changes on protein structure and function are either unavailable or do not agree on the potential impact of this missense change (SIFT: "Tolerated"; PolyPhen-2: "Probably Damaging"; Align-GVGD: "Class C0"). In summary, the available evidence is currently insufficient to determine the role of this variant in disease. Therefore, it has been classified as a Variant of Uncertain Significance. This variant has been observed in an individual affected with Fabry disease (PMID: 30386727). ClinVar contains an entry for this variant (Variation ID: 222316). This variant is not present in population databases (ExAC no frequency). This sequence change replaces glutamic acid with lysine at codon 203 of the GLA protein (p.Glu203Lys). The glutamic acid residue is highly conserved and there is a small physicochemical difference between glutamic acid and lysine.

GeneDx
Classification: Likely pathogenic. Last evaluated: 2016-10-14. Review status: criteria provided, single submitter. Criteria: GeneDx Variant Classification (06012015). Collection method: clinical testing. Allele origin: germline. Affected: yes.
Comment: A novel E203K (c.607 G>A) variant that is likely pathogenic was identified in the GLA gene. It has not been published as a pathogenic variant, nor has it been reported as a benign variant to our knowledge. The E203K variant was not observed in approximately 6,500 individuals of European and African American ancestry in the NHLBI Exome Sequencing Project, indicating it is not a common benign variant in these populations. The E203K variant is a non-conservative amino acid substitution, which is likely to impact secondary protein structure as these residues differ in polarity, charge, size and/or other properties. This substitution occurs at a position that is conserved across species. In silico analysis is inconsistent in its predictions as to whether or not the variant is damaging to the protein structure/function. Missense variants in nearby residues (I198T, P205T, Y207C) have been reported in the Human Gene Mutation Database in association with Fabry disease (Stenson et al., 2014), supporting the functional importance of this region of the protein. Additionally, several in-silico splice prediction models predict that the c.607 G>A variant responsible for E203K enhances a cryptic donor site which may supplant the natural donor site and lead to abnormal gene splicing. However, in the absence of RNA/functional studies, the actual effect of this sequence change in this individual is unknown. Therefore,we interpret E203K (c.607 G>A) to be a likely pathogenic variant; however, the possibility that it is benign cannot be excluded.

Literature cited by the submitters: PubMed 30386727 (cited by Genomenon, Inc and Labcorp Genetics (formerly Invitae), Labcorp); PubMed 32612493 (cited by Genomenon, Inc); PubMed 32023956 (cited by Genomenon, Inc); PubMed 27657681 (cited by Genomenon, Inc).